The following is an entry in ClinVar:

ClinVar aggregate classification (germline): Conflicting classifications of pathogenicity. Review status: criteria provided, conflicting classifications (1 of 4 stars). 3 submissions from 3 submitters: Uncertain significance (2); Likely benign (1). Last evaluated 2026-04-09.

Conditions:
Immunodeficiency due to MASP-2 deficiency. Also called: LECTIN COMPLEMENT ACTIVATION PATHWAY, DEFECT IN, 2; MASP2 deficiency. Identifiers: Orphanet 331187, MedGen C3151085, MONDO:0013423, OMIM 613791.

Allele frequency attached by ClinVar (database versions not stated): TOPMed 0.00055; gnomAD 0.00062 and 0.00063; ExAC 0.00090; ESP Exome Variant Server 0.00092.
gnomAD v4.1: 1,413 of 1,613,864 alleles (0.088%); highest among the groups gnomAD compares: Non-Finnish European, 0.11%; no homozygotes.

Submissions (3):

Women's Health and Genetics/Laboratory Corporation of America, LabCorp
Classification: Likely benign. Last evaluated: 2026-04-09. Review status: criteria provided, single submitter. Criteria: LabCorp Variant Classification Summary - May 2015. Collection method: clinical testing. Allele origin: germline.
Comment: Variant summary: MASP2 c.828C>G (p.Ile276Met) results in a conservative amino acid change in the encoded protein sequence. Algorithms developed to predict the effect of missense changes on protein structure and function all suggest that this variant is likely to be tolerated. The variant allele was found at a frequency of 0.00069 in 251298 control chromosomes, predominantly at a frequency of 0.0014 within the Non-Finnish European subpopulation in the gnomAD database. The observed variant frequency within Non-Finnish European control individuals in the gnomAD database exceeds the estimated maximal expected allele frequency for disease-causing variants in MASP2. To our knowledge, no occurrence of c.828C>G in individuals affected with MASP2-related conditions and no experimental evidence demonstrating its impact on protein function have been reported. ClinVar contains an entry for this variant (Variation ID: 291792). Based on the evidence outlined above, the variant was classified as likely benign.

Illumina Laboratory Services, Illumina
Classification: Uncertain significance for Immunodeficiency due to MASP-2 deficiency. Last evaluated: 2018-01-13. Review status: criteria provided, single submitter. Criteria: ICSL Variant Classification Criteria 13 December 2019. Collection method: clinical testing. Allele origin: germline.

Mayo Clinic Laboratories, Mayo Clinic
Classification: Uncertain significance for Immunodeficiency due to MASP-2 deficiency. Last evaluated: 2016-06-23. Review status: criteria provided, single submitter. Criteria: ACMG Guidelines, 2015. Collection method: clinical testing. Allele origin: paternal.

NM_006610.4(MASP2):c.828C>G (p.Ile276Met)

Gene: MASP2 (MBL associated serine protease 2; minus strand). Cytogenetic location: 1p36.22.
Variant type: single nucleotide variant.
Coding change: c.828C>G on transcript NM_006610.4 (MANE Select); coding-DNA position 828, C replaced by G.
Protein change: p.Ile276Met; replaces isoleucine 276 with methionine.
Molecular consequence: missense variant.
Genome position (GRCh38, 1-based): chr1:11,042,936, G>C on the plus strand (C>G on the coding strand, the complement: MASP2 is on the minus strand). VCF-style: chr1-11042936-G-C. GRCh37 (hg19) VCF-style: chr1-11102993-G-C.
Other names: short protein forms I276M.
Identifiers: ClinVar variation 291792 (VCV000291792.10), dbSNP rs149800848, ClinGen allele CA586918.